The following is an entry in ClinVar:

NM_001793.6(CDH3):c.247-38A>G

Gene: CDH3 (cadherin 3; plus strand). Cytogenetic location: 16q22.1.
Variant type: single nucleotide variant.
Coding change: c.247-38A>G on transcript NM_001793.6 (MANE Select); 38 bases into the intron before coding-DNA position 247, A replaced by G.
Molecular consequence: intron variant.
Genome position (GRCh38, 1-based): chr16:68,678,096, A>G. VCF-style: chr16-68678096-A-G. GRCh37 (hg19) VCF-style: chr16-68711999-A-G.
Other names: c.82-38A>G (NM_001317196.2); c.247-38A>G (NM_001317195.3).
Identifiers: ClinVar variation 677217 (VCV000677217.5), dbSNP rs1952048, ClinGen allele CA8128973.

ClinVar aggregate classification (germline): Benign. Review status: criteria provided, multiple submitters, no conflicts (2 of 4 stars). 4 submissions from 3 submitters: Benign (4). Last evaluated 2021-07-14.

Conditions:
Congenital hypotrichosis with juvenile macular dystrophy (HJMD). Also called: HYPOTRICHOSIS WITH CONE-ROD DYSTROPHY. Identifiers: Orphanet 1573, MedGen C1832162, MONDO:0011107, OMIM 601553.
EEM syndrome (EEMS). Identifiers: Orphanet 1897, MedGen C1857041, MONDO:0009155, OMIM 225280.

Allele frequency attached by ClinVar (database versions not stated): TOPMed 0.43427; gnomAD 0.43462 and 0.43829; ESP Exome Variant Server 0.43467; 1000 Genomes Project 30x 0.44691; 1000 Genomes Project 0.45447; ExAC 0.45601; gnomAD exomes 0.45666 and 0.47368.
gnomAD v4.1: 748,108 of 1,590,844 alleles (47%); highest among the groups gnomAD compares: East Asian, 63%; 178,261 homozygotes.

Submissions (4):

Genome-Nilou Lab
Classification: Benign for EEM syndrome. Last evaluated: 2021-07-14. Review status: criteria provided, single submitter. Criteria: ACMG Guidelines, 2015. Collection method: clinical testing. Allele origin: germline. Affected: no.

Genome-Nilou Lab
Classification: Benign for Congenital hypotrichosis with juvenile macular dystrophy. Last evaluated: 2021-07-14. Review status: criteria provided, single submitter. Criteria: ACMG Guidelines, 2015. Collection method: clinical testing. Allele origin: germline. Affected: no.

GeneDx
Classification: Benign. Last evaluated: 2018-06-14. Review status: criteria provided, single submitter. Criteria: GeneDx Variant Classification (06012015). Collection method: clinical testing. Allele origin: germline. Affected: yes.
Comment: This variant is considered likely benign or benign based on one or more of the following criteria: it is a conservative change, it occurs at a poorly conserved position in the protein, it is predicted to be benign by multiple in silico algorithms, and/or has population frequency not consistent with disease.

Breakthrough Genomics
Classification: Benign. Review status: criteria provided, single submitter. Criteria: ACMG Guidelines, 2015. Collection method: not provided. Allele origin: germline. Inheritance: Autosomal recessive inheritance. Affected: yes.